The following is an entry in ClinVar:

NM_021629.4(GNB4):c.714A>G (p.Gly238=)

Gene: GNB4 (G protein subunit beta 4; minus strand). Cytogenetic location: 3q26.33.
Variant type: single nucleotide variant.
Coding change: c.714A>G on transcript NM_021629.4 (MANE Select); coding-DNA position 714, A replaced by G.
Protein change: p.Gly238=; no amino-acid change (glycine 238 retained).
Molecular consequence: synonymous variant.
Genome position (GRCh38, 1-based): chr3:179,405,392, T>C on the plus strand (A>G on the coding strand, the complement: GNB4 is on the minus strand). VCF-style: chr3-179405392-T-C. GRCh37 (hg19) VCF-style: chr3-179123180-T-C.
Identifiers: ClinVar variation 571166 (VCV000571166.11), dbSNP rs1433615086, ClinGen allele CA437175336.

ClinVar aggregate classification (germline): Conflicting classifications of pathogenicity. Review status: criteria provided, conflicting classifications (1 of 4 stars). 2 submissions from 2 submitters: Uncertain significance (1); Likely benign (1). Last evaluated 2026-04-06.

Conditions:
GNB4-related disorder. Also called: GNB4-related condition.
Charcot-Marie-Tooth disease dominant intermediate F. Identifiers: Orphanet 352670, MedGen C4749463, MONDO:0014074, OMIM 615185.

Allele frequency attached by ClinVar (database versions not stated): gnomAD exomes below 0.00001; TOPMed below 0.00001; gnomAD 0.00001.
gnomAD v4.1: 7 of 1,610,392 alleles (0.00043%); highest among the groups gnomAD compares: East Asian, 0.0022%; no homozygotes.

Submissions (2):

PreventionGenetics, part of Exact Sciences
Classification: Uncertain significance for GNB4-related condition. Last evaluated: 2026-04-06. Review status: criteria provided, single submitter. Criteria: ACMG Guidelines, 2015. Collection method: clinical testing. Allele origin: germline.
Comment: The GNB4 c.714A>G variant is not predicted to result in an amino acid change (p.=). This variant is predicted to impact splicing based on splicing prediction programs (SpliceAI, Jaganathan et al. 2019. PubMed ID: 30661751). However, the use of computer prediction programs is not equivalent to functional evidence. To our knowledge, this variant has not been reported in the literature. This variant is reported in 0.010% of alleles in individuals of East Asian descent in gnomAD. At this time, the clinical significance of this variant is uncertain due to the absence of conclusive functional and genetic evidence.

Labcorp Genetics (formerly Invitae), Labcorp
Classification: Likely benign for Charcot-Marie-Tooth disease dominant intermediate F. Last evaluated: 2024-12-26. Review status: criteria provided, single submitter. Criteria: Invitae Variant Classification Sherloc (09022015). Collection method: clinical testing. Allele origin: germline.